The following is an entry in ClinVar:

ClinVar aggregate classification (germline): Uncertain significance. Review status: criteria provided, multiple submitters, no conflicts (2 of 4 stars). 2 submissions from 2 submitters: Uncertain significance (2). Last evaluated 2022-07-23.

Conditions:
Bethlem myopathy 1A. Also called: MYOPATHY, BENIGN CONGENITAL, WITH CONTRACTURES; Bethlem Muscular Dystrophy; Bethlem myopathy 1. Identifiers: Orphanet 610, MedGen CN029274, MONDO:0024530, OMIM 158810.

Allele frequency attached by ClinVar (database versions not stated): gnomAD exomes below 0.00001; TOPMed below 0.00001; gnomAD 0.00001.

Submissions (2):

Labcorp Genetics (formerly Invitae), Labcorp
Classification: Uncertain significance for Bethlem myopathy 1A. Last evaluated: 2022-07-23. Review status: criteria provided, single submitter. Criteria: Invitae Variant Classification Sherloc (09022015). Collection method: clinical testing. Allele origin: germline.
Comment: This sequence change replaces threonine, which is neutral and polar, with alanine, which is neutral and non-polar, at codon 224 of the COL6A2 protein (p.Thr224Ala). This variant is present in population databases (no rsID available, gnomAD 0.0009%). This variant has not been reported in the literature in individuals affected with COL6A2-related conditions. Advanced modeling of protein sequence and biophysical properties (such as structural, functional, and spatial information, amino acid conservation, physicochemical variation, residue mobility, and thermodynamic stability) performed at Invitae indicates that this missense variant is not expected to disrupt COL6A2 protein function. In summary, the available evidence is currently insufficient to determine the role of this variant in disease. Therefore, it has been classified as a Variant of Uncertain Significance.

Revvity Omics, Revvity
Classification: Uncertain significance. Last evaluated: 2021-04-14. Review status: criteria provided, single submitter. Criteria: ACMG Guidelines, 2015. Collection method: clinical testing. Allele origin: germline.

NM_001849.4(COL6A2):c.670A>G (p.Thr224Ala)

Gene: COL6A2 (collagen type VI alpha 2 chain; plus strand). Cytogenetic location: 21q22.3.
Variant type: single nucleotide variant.
Coding change: c.670A>G on transcript NM_001849.4 (MANE Select); coding-DNA position 670, A replaced by G.
Protein change: p.Thr224Ala; replaces threonine 224 with alanine.
Molecular consequence: missense variant.
Genome position (GRCh38, 1-based): chr21:46,112,533, A>G. VCF-style: chr21-46112533-A-G. GRCh37 (hg19) VCF-style: chr21-47532447-A-G.
Other names: c.670A>G, p.Thr224Ala (NM_058174.3, NM_058175.3); short protein forms T224A.
Identifiers: ClinVar variation 2078759 (VCV002078759.7), dbSNP rs1248302740, ClinGen allele CA410522206.
Genomic context (GRCh38, chr21:46,112,533, plus strand): 5'-ATCGCCAGCACGCCGCACGAGCTCTACCGCAACGACTACGCCACCATGCTGCCCGACTCC[A>G]CCGAGATCGACCAGGACACCATCAACCGCATCATCAAGGTCATGGTGAGCCGCGGGCGGG-3'
Protein context (NP_001840.3, residues 214-234): NDYATMLPDS[Thr224Ala]EIDQDTINRI